The following is an entry in ClinVar:

NM_000038.6(APC):c.8079C>T (p.Asn2693=)

Gene: APC (APC regulator of Wnt signaling pathway; plus strand). Cytogenetic location: 5q22.2.
Variant type: single nucleotide variant.
Coding change: c.8079C>T on transcript NM_000038.6 (MANE Select); coding-DNA position 8079, C replaced by T.
Protein change: p.Asn2693=; no amino-acid change (asparagine 2693 retained).
Molecular consequence: synonymous variant.
Genome position (GRCh38, 1-based): chr5:112,843,673, C>T. VCF-style: chr5-112843673-C-T. GRCh37 (hg19) VCF-style: chr5-112179370-C-T.
Other names: c.8079C>T, p.Asn2693= (NM_001127510.3, NM_001354895.2); c.8025C>T, p.Asn2675= (NM_001127511.3); c.8133C>T, p.Asn2711= (NM_001354896.2); c.8109C>T, p.Asn2703= (NM_001354897.2); c.8004C>T, p.Asn2668= (NM_001354898.2); c.7995C>T, p.Asn2665= (NM_001354899.2); c.7956C>T, p.Asn2652= (NM_001354900.2); c.7902C>T, p.Asn2634= (NM_001354901.2); and 5 more.
Identifiers: ClinVar variation 1565206 (VCV001565206.11), dbSNP rs1766638656, ClinGen allele CA446211059.

ClinVar aggregate classification (germline): Benign/Likely benign. Review status: criteria provided, multiple submitters, no conflicts (2 of 4 stars). 3 submissions from 3 submitters: Benign (1); Likely benign (2). Last evaluated 2024-04-12.

Conditions:
Hereditary cancer-predisposing syndrome. Also called: Tumor predisposition; Hereditary Cancer Syndrome; Hereditary neoplastic syndrome; Neoplastic Syndromes, Hereditary. Identifiers: Orphanet 140162, MedGen C0027672, MeSH D009386, MONDO:0015356.
Familial adenomatous polyposis 1 (FAP1). Also called: POLYPOSIS, ADENOMATOUS INTESTINAL; FAMILIAL ADENOMATOUS POLYPOSIS 1, ATTENUATED. Identifiers: MedGen C2713442, MONDO:0021056, OMIM 175100. Disease mechanism: loss of function.

Allele frequency attached by ClinVar (database versions not stated): gnomAD exomes below 0.00001.
gnomAD v4.1: 2 of 1,613,998 alleles (0.00012%); highest among the groups gnomAD compares: Non-Finnish European, 0.00017%; no homozygotes.

Submissions (3):

Myriad Genetics, Inc.
Classification: Benign for Familial adenomatous polyposis 1. Last evaluated: 2024-04-12. Review status: criteria provided, single submitter. Criteria: Myriad Autosomal Dominant, Autosomal Recessive and X-Linked Classification Criteria (2023). Collection method: clinical testing. Allele origin: unknown.
Comment: This variant is considered benign. This variant is a silent/synonymous amino acid change and it is not expected to impact splicing.

Labcorp Genetics (formerly Invitae), Labcorp
Classification: Likely benign for Familial adenomatous polyposis 1. Last evaluated: 2023-11-13. Review status: criteria provided, single submitter. Criteria: Invitae Variant Classification Sherloc (09022015). Collection method: clinical testing. Allele origin: germline.

Ambry Genetics
Classification: Likely benign for Hereditary cancer-predisposing syndrome. Last evaluated: 2020-07-09. Review status: criteria provided, single submitter. Criteria: Ambry Variant Classification Scheme 2023. Collection method: clinical testing. Allele origin: germline.